The following is an entry in ClinVar:

ClinVar aggregate classification (germline): Uncertain significance (1 of 4 stars; one submission).

gnomAD v4.1: 18 of 1,517,794 alleles (0.0012%); highest among the groups gnomAD compares: South Asian, 0.017%; no homozygotes.

Submission:

CeGaT Center for Human Genetics Tuebingen
Classification: Uncertain significance. Last evaluated: 2025-12-01. Review status: criteria provided, single submitter. Criteria: CeGaT Center For Human Genetics Tuebingen Variant Classification Criteria Version 2. Collection method: clinical testing. Allele origin: germline. Affected: yes. Observed: 1 variant allele.
Comment: PLCB4: PM2, PP3

NM_001377142.1(PLCB4):c.3350+5G>A

Gene: PLCB4 (phospholipase C beta 4; plus strand). Cytogenetic location: 20p12.2.
Variant type: single nucleotide variant.
Coding change: c.3350+5G>A on transcript NM_001377142.1 (MANE Select); 5 bases into the intron after coding-DNA position 3350, G replaced by A.
Molecular consequence: intron variant.
Genome position (GRCh38, 1-based): chr20:9,468,677, G>A. VCF-style: chr20-9468677-G-A. GRCh37 (hg19) VCF-style: chr20-9449324-G-A.
Other names: c.3314+5G>A (NM_001377134.2, NM_000933.4, NM_182797.3 and 2 more transcripts); c.3350+5G>A (NM_001377143.1, NM_001172646.2).
Identifiers: ClinVar variation 4681492 (VCV004681492.5).
Genomic context (GRCh38, chr20:9,468,677, plus strand): 5'-AATAGCAAAGCCATCAGCCAAGATAAATCTATCAAGAATAAAGCAGAACGGGAAAGGTAA[G>A]TCTGAGAGTGTTCACTGCAGGAATATGGCATTGACTTGAGGACACAGTCTCAACTTTCTT-3'